The following is an entry in ClinVar:

ClinVar aggregate classification (germline): Uncertain significance. Review status: criteria provided, multiple submitters, no conflicts (2 of 4 stars). 8 submissions from 8 submitters: Uncertain significance (7). 1 of the submissions does not count toward it. Last evaluated 2025-10-06.

Conditions:
ATM-related cancer predisposition. Also called: ATM-related cancer susceptibility. Identifiers: MedGen CN377759, MONDO:0700270.
Hereditary cancer-predisposing syndrome. Also called: Hereditary Cancer Syndrome; Tumor predisposition; Neoplastic Syndromes, Hereditary; Hereditary neoplastic syndrome. Identifiers: Orphanet 140162, MedGen C0027672, MeSH D009386, MONDO:0015356.
Ataxia-telangiectasia syndrome (AT). Also called: ATAXIA-TELANGIECTASIA, COMPLEMENTATION GROUP A; ATAXIA-TELANGIECTASIA, FRESNO VARIANT; Ataxia-telangiectasia; Ataxia-telangiectasia, complementation group E; Cerebello-oculocutaneous telangiectasia; Immunodeficiency with ataxia telangiectasia. Identifiers: Orphanet 100, MedGen C0004135, MONDO:0008840, OMIM 208900.

Submissions (8):

Labcorp Genetics (formerly Invitae), Labcorp
Classification: Uncertain significance for Ataxia-telangiectasia syndrome. Last evaluated: 2025-10-06. Review status: criteria provided, single submitter. Criteria: Invitae Variant Classification Sherloc (09022015). Collection method: clinical testing. Allele origin: germline.
Comment: This sequence change replaces lysine, which is basic and polar, with isoleucine, which is neutral and non-polar, at codon 2148 of the ATM protein (p.Lys2148Ile). This variant is not present in population databases (gnomAD no frequency). This variant has not been reported in the literature in individuals affected with ATM-related conditions. ClinVar contains an entry for this variant (Variation ID: 181979). Invitae Evidence Modeling of protein sequence and biophysical properties (such as structural, functional, and spatial information, amino acid conservation, physicochemical variation, residue mobility, and thermodynamic stability) indicates that this missense variant is not expected to disrupt ATM protein function with a negative predictive value of 95%. In summary, the available evidence is currently insufficient to determine the role of this variant in disease. Therefore, it has been classified as a Variant of Uncertain Significance.

Mayo Clinic Laboratories, Mayo Clinic
Classification: Uncertain significance. Last evaluated: 2025-07-16. Review status: criteria provided, single submitter. Criteria: ACMG Guidelines, 2015. Collection method: clinical testing. Allele origin: germline. Observed: 1 variant allele.
Comment: PM2_supporting

Ambry Genetics
Classification: Uncertain significance for Hereditary cancer-predisposing syndrome. Last evaluated: 2024-05-10. Review status: criteria provided, single submitter. Criteria: Ambry Variant Classification Scheme 2023. Collection method: clinical testing. Allele origin: germline.
Comment: The p.K2148I variant (also known as c.6443A>T), located in coding exon 43 of the ATM gene, results from an A to T substitution at nucleotide position 6443. The lysine at codon 2148 is replaced by isoleucine, an amino acid with dissimilar properties. This amino acid position is not well conserved in available vertebrate species. In addition, the in silico prediction for this alteration is inconclusive. Since supporting evidence is limited at this time, the clinical significance of this alteration remains unclear.

Women's Health and Genetics/Laboratory Corporation of America, LabCorp
Classification: Uncertain significance. Last evaluated: 2022-10-25. Review status: criteria provided, single submitter. Criteria: LabCorp Variant Classification Summary - May 2015. Collection method: clinical testing. Allele origin: germline.

Department of Pathology and Laboratory Medicine, Sinai Health System
Classification: Uncertain significance for ATM-related cancer predisposition. Last evaluated: 2022-07-28. Review status: criteria provided, single submitter. Criteria: ACMG Guidelines, 2015. Collection method: clinical testing. Allele origin: germline. Affected: no.

GeneDx
Classification: Uncertain significance. Last evaluated: 2022-05-12. Review status: criteria provided, single submitter. Criteria: GeneDx Variant Classification Process June 2021. Collection method: clinical testing. Allele origin: germline. Affected: yes.
Comment: Not observed at significant frequency in large population cohorts (gnomAD); In silico analysis supports that this missense variant has a deleterious effect on protein structure/function; Has not been previously published as pathogenic or benign to our knowledge; This variant is associated with the following publications: (PMID: 23532176)

Breakthrough Genomics
Classification: Uncertain significance. Review status: criteria provided, single submitter. Criteria: ACMG Guidelines, 2015. Collection method: not provided. Allele origin: germline. Inheritance: Autosomal recessive inheritance. Affected: yes.

Natera, Inc.
Classification: Uncertain significance for Ataxia-telangiectasia. Last evaluated: 2020-09-03. Review status: no assertion criteria provided. Collection method: clinical testing. Allele origin: germline. Not counted in ClinVar's aggregate classification.

NM_000051.4(ATM):c.6443A>T (p.Lys2148Ile)

Genes: ATM (ATM serine/threonine kinase; plus strand), C11orf65 (chromosome 11 open reading frame 65; minus strand). Cytogenetic location: 11q22.3.
Variant type: single nucleotide variant.
Coding change: c.6443A>T on transcript NM_000051.4 (MANE Select); coding-DNA position 6443, A replaced by T.
Protein change: p.Lys2148Ile; replaces lysine 2148 with isoleucine.
Molecular consequence: missense variant. On other transcripts: intron variant (2).
Genome position (GRCh38, 1-based): chr11:108,320,049, A>T. VCF-style: chr11-108320049-A-T. GRCh37 (hg19) VCF-style: chr11-108190776-A-T.
Other names: p.K2148I:AAA>ATA; p.Lys2148Ile; c.6443A>T, p.Lys2148Ile (NM_001351834.2); c.641-10978T>A (NM_001330368.2); c.*39-10978T>A (NM_001351110.2); c.6443A>T (NM_000051.2); short protein forms K2148I.
Identifiers: ClinVar variation 181979 (VCV000181979.30), dbSNP rs730881382, ClinGen allele CA298311.